The following is an entry in ClinVar:

NM_015559.3(SETBP1):c.1661del (p.Leu554fs)

Gene: SETBP1 (SET binding protein 1; plus strand). Cytogenetic location: 18q12.3.
Variant type: Deletion.
Coding change: c.1661del on transcript NM_015559.3 (MANE Select); coding-DNA position 1661, one base deleted (T; older notation c.1661delT).
Protein change: p.Leu554fs; shifts the reading frame from leucine 554.
Molecular consequence: frameshift variant.
Genome position (GRCh38, 1-based): chr18:44,951,001, T deleted. VCF-style (leftmost placement, unchanged base first): chr18-44951000-CT-C. GRCh37 (hg19) VCF-style: chr18-42530965-CT-C.
Other names: c.1661del, p.Leu554fs (LRG_1150t1); short protein forms L554fs.
Identifiers: ClinVar variation 524046 (VCV000524046.2), dbSNP rs1555706499, ClinGen allele CA658799040.

ClinVar aggregate classification (germline): Pathogenic (1 of 4 stars; one submission).

Submission:

GeneDx
Classification: Pathogenic. Last evaluated: 2018-04-12. Review status: criteria provided, single submitter. Criteria: GeneDx Variant Classification (06012015). Collection method: clinical testing. Allele origin: germline. Affected: yes.
Comment: The c.1661delT variant in the SETBP1 gene has not been reported previously as a pathogenic variant nor as a benign variant, to our knowledge. This variant causes a frameshift starting with codon Leucine 554, changes this amino acid to an Arginine residue, and creates a premature Stop codon at position 26 of the new reading frame, denoted p.Leu554ArgfsX26. This variant is predicted to cause loss of normal protein function either through protein truncation or nonsense-mediated mRNA decay. The c.1661delT variant is not observed in large population cohorts (Lek et al., 2016). We interpret c.1661delT as a pathogenic variant.